The following is an entry in ClinVar:

ClinVar aggregate classification (germline): Uncertain significance. Review status: criteria provided, multiple submitters, no conflicts (2 of 4 stars). 2 submissions from 2 submitters: Uncertain significance (2). Last evaluated 2025-05-13.

Conditions:
Seizures, benign familial infantile, 3 (BFIS3). Also called: CONVULSIONS, BENIGN FAMILIAL INFANTILE, 3; Familial neonatal seizures. Identifiers: Orphanet 140927, Orphanet 306, MedGen C1843140, MONDO:0011904, OMIM 607745.
Developmental and epileptic encephalopathy, 11 (DEE11). Also called: Early infantile epileptic encephalopathy 11. Identifiers: Orphanet 1934, MedGen C3150987, MONDO:0013388, OMIM 613721.

gnomAD v4.1: 3 of 1,607,354 alleles (0.00019%); highest among the groups gnomAD compares: Non-Finnish European, 0.00026%; no homozygotes.

Submissions (2):

Women's Health and Genetics/Laboratory Corporation of America, LabCorp
Classification: Uncertain significance. Last evaluated: 2025-05-13. Review status: criteria provided, single submitter. Criteria: LabCorp Variant Classification Summary - May 2015. Collection method: clinical testing. Allele origin: germline.
Comment: Variant summary: SCN2A c.4276G>C (p.Asp1426His) results in a non-conservative amino acid change in the encoded protein sequence. Algorithms developed to predict the effect of missense changes on protein structure and function all suggest that this variant is likely to be disruptive. The variant was absent in 250100 control chromosomes. The available data on variant occurrences in the general population are insufficient to allow any conclusion about variant significance. To our knowledge, no occurrence of c.4276G>C in individuals affected with Early Infantile Epileptic Encephalopathy 11 and no experimental evidence demonstrating its impact on protein function have been reported. ClinVar contains an entry for this variant (Variation ID: 2942001). Based on the evidence outlined above, the variant was classified as uncertain significance.

Labcorp Genetics (formerly Invitae), Labcorp
Classification: Uncertain significance for Seizures, benign familial infantile, 3; Developmental and epileptic encephalopathy, 11. Last evaluated: 2024-02-23. Review status: criteria provided, single submitter. Criteria: Invitae Variant Classification Sherloc (09022015). Collection method: clinical testing. Allele origin: germline.
Comment: This sequence change replaces aspartic acid, which is acidic and polar, with histidine, which is basic and polar, at codon 1426 of the SCN2A protein (p.Asp1426His). This variant is not present in population databases (gnomAD no frequency). This variant has not been reported in the literature in individuals affected with SCN2A-related conditions. Advanced modeling of protein sequence and biophysical properties (such as structural, functional, and spatial information, amino acid conservation, physicochemical variation, residue mobility, and thermodynamic stability) performed at Invitae indicates that this missense variant is expected to disrupt SCN2A protein function with a positive predictive value of 95%. In summary, the available evidence is currently insufficient to determine the role of this variant in disease. Therefore, it has been classified as a Variant of Uncertain Significance.

NM_001040142.2(SCN2A):c.4276G>C (p.Asp1426His)

Gene: SCN2A (sodium voltage-gated channel alpha subunit 2; plus strand). Cytogenetic location: 2q24.3.
Variant type: single nucleotide variant.
Coding change: c.4276G>C on transcript NM_001040142.2 (MANE Select); coding-DNA position 4276, G replaced by C.
Protein change: p.Asp1426His; replaces aspartic acid 1426 with histidine.
Molecular consequence: missense variant.
Genome position (GRCh38, 1-based): chr2:165,377,618, G>C. VCF-style: chr2-165377618-G-C. GRCh37 (hg19) VCF-style: chr2-166234128-G-C.
Other names: c.4276G>C, p.Asp1426His (NM_001040143.2, NM_001371246.1, NM_001371247.1 and 1 more transcripts); short protein forms D1426H.
Identifiers: ClinVar variation 2942001 (VCV002942001.4), dbSNP rs2468114044, ClinGen allele CA349033025.